The following is an entry in ClinVar:

ClinVar aggregate classification (germline): Pathogenic/Likely pathogenic. Review status: criteria provided, multiple submitters, no conflicts (2 of 4 stars). 2 submissions from 2 submitters: Pathogenic (1); Likely pathogenic (1). Last evaluated 2026-04-23.

Conditions:
Nemaline myopathy 2 (NEM2). Also called: Nemaline myopathy 2, autosomal recessive. Identifiers: MedGen C1850569, MONDO:0009725, OMIM 256030.
Nemaline myopathy. Also called: Myopathies, Nemaline. Identifiers: Orphanet 607, MedGen C0206157, MONDO:0018958.

Submissions (2):

Myriad Genetics, Inc.
Classification: Pathogenic for Nemaline myopathy 2. Last evaluated: 2026-04-23. Review status: criteria provided, single submitter. Criteria: Myriad Autosomal Dominant, Autosomal Recessive and X-Linked Classification Criteria (2023). Collection method: clinical testing. Allele origin: unknown.
Comment: NM_001271208.1(NEB):c.10438_10442del5(I3480Lfs*2) is expected to be pathogenic in the context of NEB-related nemaline myopathy. This variant is predicted to lead to an abnormal or absent protein product due to the creation of a premature termination codon in NEB, a gene where loss-of-function variants are known to be pathogenic. Please note: this variant was assessed in the context of healthy population screening.

Women's Health and Genetics/Laboratory Corporation of America, LabCorp
Classification: Likely pathogenic for Nemaline myopathy. Last evaluated: 2022-11-29. Review status: criteria provided, single submitter. Criteria: LabCorp Variant Classification Summary - May 2015. Collection method: clinical testing. Allele origin: germline.
Comment: Variant summary: NEB c.10438_10442delATAAA (p.Ile3480LeufsX2) results in a premature termination codon, predicted to cause a truncation of the encoded protein or absence of the protein due to nonsense mediated decay, which are commonly known mechanisms for disease. Truncations downstream of this position have been classified as pathogenic by our laboratory. The variant was absent in 243282 control chromosomes (gnomAD). To our knowledge, no occurrence of c.10438_10442delATAAA in individuals affected with Nemaline Myopathy 2 and no experimental evidence demonstrating its impact on protein function have been reported. No clinical diagnostic laboratories have submitted clinical-significance assessments for this variant to ClinVar after 2014. Based on the evidence outlined above, the variant was classified as likely pathogenic.

NM_001164508.2(NEB):c.10438_10442del (p.Ile3480fs)

Gene: NEB (nebulin; minus strand). Cytogenetic location: 2q23.3.
Variant type: Microsatellite.
Coding change: c.10438_10442del on transcript NM_001164508.2 (MANE Select); coding-DNA positions 10438 to 10442, 5 bases deleted (ATAAA; older notation c.10438_10442delATAAA).
Protein change: p.Ile3480fs; shifts the reading frame from isoleucine 3480.
Molecular consequence: frameshift variant.
Genome position (GRCh38, 1-based): chr2:151,625,544-151,625,548, TTTAT deleted on the plus strand (ATAAA on the coding strand, the reverse complement: NEB is on the minus strand); deleting any 5 consecutive bases within chr2:151,625,544-151,625,556 gives the same sequence; the c. name uses the placement nearest the transcript's 3' end. VCF-style (leftmost placement, unchanged base first): chr2-151625543-ATTTAT-A. GRCh37 (hg19) VCF-style: chr2-152482057-ATTTAT-A.
Other names: c.10438_10442del, p.Ile3480fs (NM_001164507.2, NM_001271208.2); c.10430_10434AAAAT[1], p.Ile3480Leufs (NM_001271208.1); c.9709_9713del, p.Ile3237fs (NM_004543.5); c.10438_10442delATAAA (NM_001271208.1); short protein forms I3237fs, I3480fs.
Identifiers: ClinVar variation 1804724 (VCV001804724.2), dbSNP rs2552235366, ClinGen allele CA2580614364.